The following is an entry in ClinVar:

NM_000137.4(FAH):c.554-1G>T

Gene: FAH (fumarylacetoacetate hydrolase; plus strand). Cytogenetic location: 15q25.1.
Variant type: single nucleotide variant.
Coding change: c.554-1G>T on transcript NM_000137.4 (MANE Select); the canonical splice acceptor site of the intron before coding-DNA position 554, G replaced by T.
Molecular consequence: splice acceptor variant.
Genome position (GRCh38, 1-based): chr15:80,168,263, G>T. VCF-style: chr15-80168263-G-T. GRCh37 (hg19) VCF-style: chr15-80460605-G-T.
Other names: IVS6AS, G-T, -1; c.554-1G>T (NM_001374377.1, NM_001374380.1).
Identifiers: ClinVar variation 11874 (VCV000011874.69), dbSNP rs80338895, ClinGen allele CA220372.

ClinVar aggregate classification (germline): Pathogenic. Review status: criteria provided, multiple submitters, no conflicts (2 of 4 stars). 24 submissions from 24 submitters: Pathogenic (22). 2 of the submissions do not count toward it. Last evaluated 2026-09-04.

Conditions:
FAH-related disorder. Also called: FAH-related condition.
FAH-related disorders.
Tyrosinemia type I (TYRSN1). Also called: FAH DEFICIENCY; HEPATORENAL TYROSINEMIA; Deficiency of fumarylacetoacetase; Tyrosinemia type 1; Fumarylacetoacetase deficiency. Identifiers: Orphanet 882, MedGen C0268490, MONDO:0010161, OMIM 276700. Disease mechanism: loss of function.

Allele frequency attached by ClinVar (database versions not stated): TOPMed 0.00009; gnomAD 0.00010 and 0.00011; ExAC 0.00011; gnomAD exomes 0.00015.
gnomAD v4.1: 320 of 1,604,106 alleles (0.02%); highest among the groups gnomAD compares: Non-Finnish European, 0.024%; no homozygotes.

Submissions 1 to 17 of 25:

PreventionGenetics, part of Exact Sciences
Classification: Pathogenic for FAH-related condition. Last evaluated: 2026-09-04. Review status: criteria provided, single submitter. Criteria: ACMG Guidelines, 2015. Collection method: clinical testing. Allele origin: germline.
Comment: The FAH c.554-1G>T variant is predicted to disrupt the AG splice acceptor site and interfere with normal splicing. This variant, also referred to in the literature as IVS6-1G>T, has previously been reported to be a common causative variant for tyrosinemia type I (see, for example, Rootwelt et al. 1996. PubMed ID: 8829657; Arranz et al. 2002. PubMed ID: 12203990; Angileri et al. 2015. PubMed ID: 25681080). This variant is reported in 0.037% of alleles in individuals of Latino descent in gnomAD. Variants that disrupt consensus splice acceptor sites in FAH are expected to be pathogenic. This variant is interpreted as pathogenic.

Molecular Genetics Laboratory, CHU Lille
Classification: Pathogenic for Tyrosinemia type I. Last evaluated: 2026-08-19. Review status: criteria provided, single submitter. Criteria: ACMG Guidelines, 2015. Collection method: clinical testing. Allele origin: germline. Affected: yes.
Comment: This variant disrupts a canonical splice site and is predicted to interfere with normal mRNA splicing, resulting in a loss of normal protein function—an established disease mechanism for this gene. This variant has been recurrently observed in individuals with a matching phenotype, and segregation evidence has been reported in affected families. Furthermore, it is present at a low frequency in population datasets. Based on the available data, this variant is classified as Pathogenic.

Dasa
Classification: Pathogenic. Last evaluated: 2026-04-09. Review status: criteria provided, single submitter. Criteria: DASA Assertion Criteria. Collection method: clinical testing. Allele origin: germline.
Comment: NM_000137.4(FAH):c.554-1G>T affects a canonical splice site and is predicted to disrupt normal RNA splicing, leading to loss of normal protein function. Loss-of-function is an established mechanism of disease for this gene. This variant has been recurrently observed in individuals with related phenotype (PMID: 35281663; PMID: 20301688; PMID: 12203990). Segregation evidence has been reported in affected families. The variant is present at low frequency in population datasets. Based on the available data, this variant is classified as pathogenic.

Labcorp Genetics (formerly Invitae), Labcorp
Classification: Pathogenic for Tyrosinemia type I. Last evaluated: 2026-01-14. Review status: criteria provided, single submitter. Criteria: Invitae Variant Classification Sherloc (09022015). Collection method: clinical testing. Allele origin: germline.
Comment: This sequence change affects an acceptor splice site in intron 6 of the FAH gene. RNA analysis indicates that disruption of this splice site induces altered splicing and may result in an absent or altered protein product. This variant is present in population databases (rs80338895, gnomAD 0.03%). Disruption of this splice site has been observed in individual(s) with tyrosinemia type 1 (PMID: 8829657, 11476670, 12203990). In at least one individual the data is consistent with being in trans (on the opposite chromosome) from a pathogenic variant. This variant is also known as IVS6-1. ClinVar contains an entry for this variant (Variation ID: 11874). Studies have shown that disruption of this splice site results in skipping of exon 8, and produces a non-functional protein and/or introduces a premature termination codon (PMID: 8557261, 11476670). For these reasons, this variant has been classified as Pathogenic.

Natera, Inc.
Classification: Pathogenic for Tyrosinemia type I. Last evaluated: 2025-11-12. Review status: criteria provided, single submitter. Criteria: Natera Variant Classification Schema (03/2026). Collection method: clinical testing. Allele origin: germline.
Comment: The c.554-1G>T variant in FAH is a canonical splice acceptor site variant predicted to affect pre-mRNA splicing, which may result in an abnormal transcript and altered protein product. This variant is expected to result in nonsense mediated decay, truncation, or a dysfunctional protein product. This variant is rare in the general population with a frequency below the threshold expected for the associated phenotype(s). This variant has been observed in one or more individuals affected with the associated recessive disease, as either homozygous or compound heterozygous with a second variant (PMID: 12203990). Given the available evidence, this variant is classified as Pathogenic.

Immunogenetics and Transplant Biology Service, University Hospital "Città della Salute e della Scienza di Torino"
Classification: Pathogenic for Tyrosinemia type I. Last evaluated: 2025-06-28. Review status: criteria provided, single submitter. Criteria: ACMG Guidelines, 2015. Collection method: clinical testing. Allele origin: germline. Affected: yes.

3billion
Classification: Pathogenic for Tyrosinemia type I. Last evaluated: 2025-05-22. Review status: criteria provided, single submitter. Criteria: ACMG Guidelines, 2015. Collection method: clinical testing. Allele origin: germline. Affected: yes.
Comment: The variant is observed at an extremely low frequency in the gnomAD v4.1.0 dataset (total allele frequency: 0.020%). Predicted Consequence/Location: Canonical splice site: predicted to alter splicing and result in a loss or disruption of normal protein function. Multiple pathogenic loss-of-function variants are reported downstream of the variant. In silico tools predict the variant to alter splicing and produce an abnormal transcript [SpliceAI: 0.99 (spliceogenicity >=0.2, non-spliceogenicity <0.1)]. The variant has been reported at least twice as pathogenic with clinical assertions and evidence for the classification (ClinVar ID: VCV000011874 /PMID: 8829657 /3billion dataset). Therefore, this variant is classified as Pathogenic according to the recommendation of ACMG/AMP guideline.

CeGaT Center for Human Genetics Tuebingen
Classification: Pathogenic. Last evaluated: 2024-09-01. Review status: criteria provided, single submitter. Criteria: CeGaT Center For Human Genetics Tuebingen Variant Classification Criteria Version 2. Collection method: clinical testing. Allele origin: germline. Affected: yes. Observed: 1 variant allele.
Comment: FAH: PM3:Very Strong, PVS1, PM2, PP4

Blueprint Genetics
Classification: Pathogenic for FAH-related disorders. Last evaluated: 2024-08-02. Review status: criteria provided, single submitter. Criteria: ACMG Guidelines, 2015. Collection method: clinical testing. Allele origin: germline. Affected: yes. Observed: 5 variant alleles.

Fulgent Genetics
Classification: Pathogenic for Tyrosinemia type I. Last evaluated: 2024-06-06. Review status: criteria provided, single submitter. Criteria: ACMG Guidelines, 2015. Collection method: clinical testing. Allele origin: germline.

Institute of Human Genetics, University of Leipzig Medical Center
Classification: Pathogenic for Tyrosinemia type I. Last evaluated: 2024-02-12. Review status: criteria provided, single submitter. Criteria: ACMG Guidelines, 2015. Collection method: clinical testing. Allele origin: unknown. Inheritance: Autosomal recessive inheritance. Affected: yes.
Comment: Criteria applied: PVS1,PM3_VSTR,PM2_SUP,PP4

Department of Pathology and Laboratory Medicine, Sinai Health System
Classification: Pathogenic for tyrosinemia type I. Last evaluated: 2023-09-05. Review status: criteria provided, single submitter. Criteria: ACMG Guidelines, 2015. Collection method: research. Allele origin: germline.

GeneDx
Classification: Pathogenic. Last evaluated: 2023-05-11. Review status: criteria provided, single submitter. Criteria: GeneDx Variant Classification Process June 2021. Collection method: clinical testing. Allele origin: germline. Affected: yes.
Comment: Canonical splice site variant predicted to result in a null allele in a gene for which loss of function is a known mechanism of disease; Also known as IVS6-1 G>T; This variant is associated with the following publications: (PMID: 25087612, 11476670, 23348723, 30414057, 30954369, 29625052, 31980526, 34426522, 31589614, 10073910, 32778825, 22975760, 8557261, 12203990, 8829657, 20301688, 25681080, 8723690)

Mayo Clinic Laboratories, Mayo Clinic
Classification: Pathogenic. Last evaluated: 2022-06-03. Review status: criteria provided, single submitter. Criteria: ACMG Guidelines, 2015. Collection method: clinical testing. Allele origin: germline. Observed: 1 variant allele.
Comment: PM2, PM3, PS4, PVS1

Laboratorio de Genetica e Diagnostico Molecular, Hospital Israelita Albert Einstein
Classification: Pathogenic for Tyrosinemia type I. Last evaluated: 2022-02-21. Review status: criteria provided, single submitter. Criteria: ACMG Guidelines, 2015. Collection method: clinical testing. Allele origin: germline. Affected: yes.
Comment: ACMG classification criteria: PVS1 very strong, PS4 strong, PM2 moderate, PM3 very strong

Revvity Omics, Revvity
Classification: Pathogenic for Tyrosinemia type I. Last evaluated: 2021-03-31. Review status: criteria provided, single submitter. Criteria: ACMG Guidelines, 2015. Collection method: clinical testing. Allele origin: germline.

Greenwood Genetic Center Diagnostic Laboratories, Greenwood Genetic Center
Classification: Pathogenic. Last evaluated: 2021-03-03. Review status: criteria provided, single submitter. Criteria: ACMG Guidelines, 2015. Collection method: clinical testing. Allele origin: germline. Affected: yes.
Comment: PVS1, PM2, PM3